The following is an entry in ClinVar:

NM_005629.4(SLC6A8):c.951C>G (p.Tyr317Ter)

Gene: SLC6A8 (solute carrier family 6 member 8; plus strand). Cytogenetic location: Xq28.
Variant type: single nucleotide variant.
Coding change: c.951C>G on transcript NM_005629.4 (MANE Select); coding-DNA position 951, C replaced by G.
Protein change: p.Tyr317Ter; replaces tyrosine 317 with a stop codon.
Molecular consequence: nonsense.
Genome position (GRCh38, 1-based): chrX:153,693,301, C>G. VCF-style: chrX-153693301-C-G. GRCh37 (hg19) VCF-style: chrX-152958756-C-G.
Other names: NC_000023.10:g.152958756C>G; c.951C>G, p.Tyr317Ter (NM_001142805.2); c.606C>G, p.Tyr202Ter (NM_001142806.1); short protein forms Y202*, Y317*.
Identifiers: ClinVar variation 3765792 (VCV003765792.2).

ClinVar aggregate classification (germline): Likely pathogenic (1 of 4 stars; one submission).

Conditions:
Creatine transporter deficiency (CCDS1). Also called: CEREBRAL CREATINE DEFICIENCY SYNDROME 1; Creatine Transporter (CRTR) Deficiency; Mental retardation , X-linked with seizures, short stature and midface hypoplasia; Mental retardation , X-linked, with creatine transport deficiency; X-linked creatine transporter deficiency; X-linked creatine deficiency syndrome. Identifiers: Orphanet 52503, MedGen C1845862, MONDO:0010305, OMIM 300352.

Submissions (2):

Greenwood Genetic Center Diagnostic Laboratories, Greenwood Genetic Center
Classification: Likely pathogenic for Creatine transporter deficiency. Last evaluated: 2024-11-25. Review status: criteria provided, single submitter. Criteria: ACMG Guidelines, 2015. Collection method: clinical testing. Allele origin: germline. Affected: yes.
Comment: PVS1, PM2

Dr. Peter K. Rogan Lab, Western University
No classification provided (evidence only). Condition: Nonpapillary renal cell carcinoma. Review status: no classification provided. Collection method: in vitro. Allele origin: not applicable. Functional consequence: retained intron. Not counted in ClinVar's aggregate classification.